The following is an entry in ClinVar:

ClinVar aggregate classification (germline): Likely benign. Review status: criteria provided, multiple submitters, no conflicts (2 of 4 stars). 3 submissions from 3 submitters: Likely benign (3). Last evaluated 2026-07-01.

Conditions:
Familial focal epilepsy with variable foci (FPEVF). Identifiers: Orphanet 98820, MedGen C1858477, MONDO:0020310.

Allele frequency attached by ClinVar (database versions not stated): gnomAD exomes below 0.00001; gnomAD 0.00001; TOPMed 0.00002.
gnomAD v4.1: 6 of 1,613,822 alleles (0.00037%); highest among the groups gnomAD compares: Middle Eastern, 0.016%; no homozygotes.

Submissions (3):

CeGaT Center for Human Genetics Tuebingen
Classification: Likely benign. Last evaluated: 2026-07-01. Review status: criteria provided, single submitter. Criteria: CeGaT Center For Human Genetics Tuebingen Variant Classification Criteria Version 2. Collection method: clinical testing. Allele origin: germline. Affected: yes. Observed: 1 variant allele.
Comment: DEPDC5: BP4

Labcorp Genetics (formerly Invitae), Labcorp
Classification: Likely benign for Familial focal epilepsy with variable foci. Last evaluated: 2025-12-01. Review status: criteria provided, single submitter. Criteria: Invitae Variant Classification Sherloc (09022015). Collection method: clinical testing. Allele origin: germline.

ARUP Laboratories, Molecular Genetics and Genomics, ARUP Laboratories
Classification: Likely benign. Last evaluated: 2025-03-17. Review status: criteria provided, single submitter. Criteria: ARUP Molecular Germline Variant Investigation Process 2024. Collection method: clinical testing. Allele origin: germline.

NM_001242896.3(DEPDC5):c.483+8T>G

Gene: DEPDC5 (DEP domain containing 5, GATOR1 subcomplex subunit; plus strand). Cytogenetic location: 22q12.2.
Variant type: single nucleotide variant.
Coding change: c.483+8T>G on transcript NM_001242896.3 (MANE Select); 8 bases into the intron after coding-DNA position 483, T replaced by G.
Molecular consequence: intron variant.
Genome position (GRCh38, 1-based): chr22:31,778,176, T>G. VCF-style: chr22-31778176-T-G. GRCh37 (hg19) VCF-style: chr22-32174162-T-G.
Other names: c.483+8T>G (NM_001364318.2, NM_001136029.4, NM_014662.6 and 7 more transcripts); c.399+8T>G (NM_001369902.1, NM_001369901.1).
Identifiers: ClinVar variation 697374 (VCV000697374.11), dbSNP rs1363426695, ClinGen allele CA639056353.